The following is an entry in ClinVar:

NM_001061.7(TBXAS1):c.451-8A>G

Gene: TBXAS1 (thromboxane A synthase 1; plus strand). Cytogenetic location: 7q34.
Variant type: single nucleotide variant.
Coding change: c.451-8A>G on transcript NM_001061.7 (MANE Select); 8 bases into the intron before coding-DNA position 451, A replaced by G.
Molecular consequence: intron variant.
Genome position (GRCh38, 1-based): chr7:139,953,360, A>G. VCF-style: chr7-139953360-A-G. GRCh37 (hg19) VCF-style: chr7-139653159-A-G.
Other names: c.451-8A>G (NM_001130966.5, NM_030984.6); c.250-8A>G (NM_001166254.4); c.394-8A>G (NM_001314028.4); c.589-8A>G (NM_001166253.4); c.268-8A>G (NM_001366537.3).
Identifiers: ClinVar variation 3233575 (VCV003233575.2), dbSNP rs1382020261, ClinGen allele CA578383567.

ClinVar aggregate classification (germline): Uncertain significance (1 of 4 stars; one submission).

Allele frequency attached by ClinVar (database versions not stated): gnomAD exomes 0.00001.
gnomAD v4.1: 11 of 1,612,394 alleles (0.00068%); highest among the groups gnomAD compares: African/African-American, 0.0013%; no homozygotes.

Submission:

Women's Health and Genetics/Laboratory Corporation of America, LabCorp
Classification: Uncertain significance. Last evaluated: 2024-03-08. Review status: criteria provided, single submitter. Criteria: LabCorp Variant Classification Summary - May 2015. Collection method: clinical testing. Allele origin: germline.
Comment: Variant summary: TBXAS1 c.451-8A>G alters a non-conserved nucleotide located close to a canonical splice site and therefore could affect mRNA splicing, leading to a significantly altered protein sequence. Consensus agreement among computation tools predict no significant impact on normal splicing. However, these predictions have yet to be confirmed by functional studies. The variant allele was found at a frequency of 8e-06 in 251484 control chromosomes (gnomAD). The available data on variant occurrences in the general population are insufficient to allow any conclusion about variant significance. To our knowledge, no occurrence of c.451-8A>G in individuals affected with Ghosal Hematodiaphyseal Dysplasia and no experimental evidence demonstrating its impact on protein function have been reported. No submitters have cited clinical-significance assessments for this variant to ClinVar. Based on the evidence outlined above, the variant was classified as uncertain significance.